The following is an entry in ClinVar:

NM_004360.5(CDH1):c.937G>T (p.Asp313Tyr)

Gene: CDH1 (cadherin 1; plus strand). Cytogenetic location: 16q22.1.
Variant type: single nucleotide variant.
Coding change: c.937G>T on transcript NM_004360.5 (MANE Select); coding-DNA position 937, G replaced by T.
Protein change: p.Asp313Tyr; replaces aspartic acid 313 with tyrosine.
Molecular consequence: missense variant. On other transcripts: 5 prime UTR variant (2).
Genome position (GRCh38, 1-based): chr16:68,811,788, G>T. VCF-style: chr16-68811788-G-T. GRCh37 (hg19) VCF-style: chr16-68845691-G-T.
Other names: c.937G>T, p.Asp313Tyr (NM_001317184.2); c.-679G>T (NM_001317185.2); c.-883G>T (NM_001317186.2); short protein forms D313Y.
Identifiers: ClinVar variation 918306 (VCV000918306.14), dbSNP rs993545618, ClinGen allele CA283300252.

ClinVar aggregate classification (germline): Conflicting classifications of pathogenicity. Review status: criteria provided, conflicting classifications (1 of 4 stars). 3 submissions from 3 submitters: Uncertain significance (2); Likely benign (1). Last evaluated 2025-07-31.

Conditions:
Hereditary cancer-predisposing syndrome. Also called: Hereditary Cancer Syndrome; Hereditary neoplastic syndrome; Neoplastic Syndromes, Hereditary; Tumor predisposition. Identifiers: Orphanet 140162, MedGen C0027672, MeSH D009386, MONDO:0015356.
Hereditary diffuse gastric adenocarcinoma (HDGC). Also called: DIFFUSE GASTRIC AND LOBULAR BREAST CANCER SYNDROME. Identifiers: Orphanet 26106, MedGen C1708349, MONDO:0007648, OMIM 137215.

Allele frequency attached by ClinVar (database versions not stated): TOPMed 0.00001.

Submissions (3):

Labcorp Genetics (formerly Invitae), Labcorp
Classification: Uncertain significance for Hereditary diffuse gastric adenocarcinoma. Last evaluated: 2025-07-31. Review status: criteria provided, single submitter. Criteria: Invitae Variant Classification Sherloc (09022015). Collection method: clinical testing. Allele origin: germline.
Comment: This sequence change replaces aspartic acid, which is acidic and polar, with tyrosine, which is neutral and polar, at codon 313 of the CDH1 protein (p.Asp313Tyr). This variant is not present in population databases (gnomAD no frequency). This variant has not been reported in the literature in individuals affected with CDH1-related conditions. ClinVar contains an entry for this variant (Variation ID: 918306). An algorithm developed to predict the effect of missense changes on protein structure and function outputs the following: PolyPhen-2: "Benign". The tyrosine amino acid residue is found in multiple mammalian species, which suggests that this missense change does not adversely affect protein function. In summary, the available evidence is currently insufficient to determine the role of this variant in disease. Therefore, it has been classified as a Variant of Uncertain Significance.

Color Diagnostics, LLC DBA Color Health
Classification: Uncertain significance for Hereditary cancer-predisposing syndrome. Last evaluated: 2023-12-05. Review status: criteria provided, single submitter. Criteria: ACMG Guidelines, 2015. Collection method: clinical testing. Allele origin: germline.
Comment: This missense variant replaces aspartic acid with tyrosine at codon 313 of the CDH1 protein. To our knowledge, functional studies have not been reported for this variant. This variant has not been reported in individuals affected with CDH1-related disorders in the literature. This variant has not been identified in the general population by the Genome Aggregation Database (gnomAD). The available evidence is insufficient to determine the role of this variant in disease conclusively. Therefore, this variant is classified as a Variant of Uncertain Significance.

Ambry Genetics
Classification: Likely benign for Hereditary cancer-predisposing syndrome. Last evaluated: 2023-11-13. Review status: criteria provided, single submitter. Criteria: Ambry Variant Classification Scheme 2023. Collection method: clinical testing. Allele origin: germline.